The following is an entry in ClinVar:

NM_006015.6(ARID1A):c.2312T>C (p.Leu771Ser)

Gene: ARID1A (AT-rich interaction domain 1A; plus strand). Cytogenetic location: 1p36.11.
Variant type: single nucleotide variant.
Coding change: c.2312T>C on transcript NM_006015.6 (MANE Select); coding-DNA position 2312, T replaced by C.
Protein change: p.Leu771Ser; replaces leucine 771 with serine.
Molecular consequence: missense variant.
Genome position (GRCh38, 1-based): chr1:26,762,212, T>C. VCF-style: chr1-26762212-T-C. GRCh37 (hg19) VCF-style: chr1-27088703-T-C.
Other names: c.2312T>C, p.Leu771Ser (NM_139135.4); short protein forms L771S.
Identifiers: ClinVar variation 2006255 (VCV002006255.4), dbSNP rs2124063490, ClinGen allele CA339155201.

ClinVar aggregate classification (germline): Uncertain significance (1 of 4 stars; one submission).

Allele frequency attached by ClinVar (database versions not stated): gnomAD exomes below 0.00001.

Submission:

Labcorp Genetics (formerly Invitae), Labcorp
Classification: Uncertain significance. Last evaluated: 2022-06-14. Review status: criteria provided, single submitter. Criteria: Invitae Variant Classification Sherloc (09022015). Collection method: clinical testing. Allele origin: germline.
Comment: In summary, the available evidence is currently insufficient to determine the role of this variant in disease. Therefore, it has been classified as a Variant of Uncertain Significance. Algorithms developed to predict the effect of missense changes on protein structure and function are either unavailable or do not agree on the potential impact of this missense change (SIFT: "Deleterious"; PolyPhen-2: "Not Available"; Align-GVGD: "Class C0"). This variant has not been reported in the literature in individuals affected with ARID1A-related conditions. This variant is not present in population databases (gnomAD no frequency). This sequence change replaces leucine, which is neutral and non-polar, with serine, which is neutral and polar, at codon 771 of the ARID1A protein (p.Leu771Ser).